The following is an entry in ClinVar:

NM_000150.4(FUT6):c.370C>T (p.Pro124Ser)

Gene: FUT6 (fucosyltransferase 6; minus strand). Cytogenetic location: 19p13.3.
Variant type: single nucleotide variant.
Coding change: c.370C>T on transcript NM_000150.4 (MANE Select); coding-DNA position 370, C replaced by T.
Protein change: p.Pro124Ser; replaces proline 124 with serine.
Molecular consequence: missense variant.
Genome position (GRCh38, 1-based): chr19:5,832,198, G>A on the plus strand (C>T on the coding strand, the complement: FUT6 is on the minus strand). VCF-style: chr19-5832198-G-A. GRCh37 (hg19) VCF-style: chr19-5832209-G-A.
Other names: c.370C>T, p.Pro124Ser (NM_001040701.2, NM_001369502.1, NM_001369504.1 and 6 more transcripts); short protein forms P124S.
Identifiers: ClinVar variation 979161 (VCV000979161.2), dbSNP rs778805, ClinGen allele CA9118017.

ClinVar aggregate classification (germline): Benign. Review status: criteria provided, multiple submitters, no conflicts (2 of 4 stars). 2 submissions from 2 submitters: Benign (2).

Conditions:
Fucosyltransferase 6 deficiency. Identifiers: MedGen C3151219, MONDO:0013462, OMIM 613852.

Allele frequency attached by ClinVar (database versions not stated): gnomAD exomes 0.34354 and 0.41298; ExAC 0.41090; ESP Exome Variant Server 0.41988; gnomAD 0.43627 and 0.43749; TOPMed 0.45001; 1000 Genomes Project 0.49521; 1000 Genomes Project 30x 0.49610.
gnomAD v4.1: 569,658 of 1,613,530 alleles (35%); highest among the groups gnomAD compares: African/African-American, 60%; 107,428 homozygotes.

Submissions (2):

Breakthrough Genomics
Classification: Benign. Review status: criteria provided, single submitter. Criteria: ACMG Guidelines, 2015. Collection method: not provided. Allele origin: germline. Inheritance: Unknown mechanism. Affected: yes.

Broad Center for Mendelian Genomics, Broad Institute of MIT and Harvard
Classification: Benign for Fucosyltransferase 6 deficiency. Review status: criteria provided, single submitter. Criteria: ACMG Guidelines, 2015. Collection method: research. Allele origin: germline. Affected: yes.
Comment: The heterozygous p.Pro124Ser variant in FUT6 has been identified in at least 1 Indonesian individual with fucosyltransferase deficiency (PMID: 8175676). In vitro functional studies provide some evidence that the p.Pro124Ser variant will not impact protein function (PMID: 8175676). However, these types of assays may not accurately represent biological function. This variant is classified as benign for fucosyltransferase deficiency because it has been identified in >60% of African chromosomes by ExAC.